The following is an entry in ClinVar:

ClinVar aggregate classification (germline): Pathogenic (1 of 4 stars; one submission).

Conditions:
Hereditary cancer-predisposing syndrome. Also called: Neoplastic Syndromes, Hereditary; Tumor predisposition; Hereditary Cancer Syndrome; Hereditary neoplastic syndrome. Identifiers: Orphanet 140162, MedGen C0027672, MeSH D009386, MONDO:0015356.

Submission:

Ambry Genetics
Classification: Pathogenic for Hereditary cancer-predisposing syndrome. Last evaluated: 2019-12-13. Review status: criteria provided, single submitter. Criteria: Ambry Variant Classification Scheme 2023. Collection method: clinical testing. Allele origin: germline.
Comment: The c.1675_1705del31insAG pathogenic mutation, located in coding exon 11 of the PMS2 gene, results from the deletion of 31 nucleotides and insertion of two nucleotides causing a translational frameshift with a predicted alternate stop codon (p.G559Sfs*2). This alteration is expected to result in loss of function by premature protein truncation or nonsense-mediated mRNA decay. As such, this alteration is interpreted as a disease-causing mutation.

NM_000535.7(PMS2):c.1675_1705delinsAG (p.Gly559fs)

Gene: PMS2 (PMS1 homolog 2, mismatch repair system component; minus strand). Cytogenetic location: 7p22.1.
Variant type: Indel.
Coding change: c.1675_1705delinsAG on transcript NM_000535.7 (MANE Select); coding-DNA positions 1675 to 1705, the reference bases replaced by AG.
Protein change: p.Gly559fs; shifts the reading frame from glycine 559.
Molecular consequence: frameshift variant. On other transcripts: non-coding transcript variant (1).
Genome position (GRCh38, 1-based): chr7:5,987,060-5,987,090, 31 bases replaced. GRCh37 (hg19): chr7:6,026,691-6,026,721.
Other names: c.1270_1300del31insAG, p.Gly424Serfs (NM_001018040.1, NM_001406887.1, NM_001406888.1 and 13 more transcripts); c.1270_1300delinsAG, p.Gly424fs (NM_001322003.2, NM_001322004.2, NM_001322005.2 and 1 more transcripts); c.1519_1549delinsAG, p.Gly507fs (NM_001322006.2); c.1357_1387delinsAG, p.Gly453fs (NM_001322007.2, NM_001322008.2); c.1114_1144delinsAG, p.Gly372fs (NM_001322010.2); c.742_772delinsAG, p.Gly248fs (NM_001322011.2, NM_001322012.2); c.1102_1132delinsAG, p.Gly368fs (NM_001322013.2); c.1675_1705delinsAG, p.Gly559fs (NM_001322014.2); and 19 more; short protein forms G248fs, G368fs, G453fs, G456fs, G507fs, G559fs, G372fs, G424fs.
Identifiers: ClinVar variation 1777769 (VCV001777769.2), dbSNP rs2535747032, ClinGen allele CA2580076897.